The following is an entry in ClinVar:

ClinVar aggregate classification (germline): Uncertain significance (1 of 4 stars; one submission).

Submission:

Greenwood Genetic Center Diagnostic Laboratories, Greenwood Genetic Center
Classification: Uncertain significance. Last evaluated: 2023-06-15. Review status: criteria provided, single submitter. Criteria: ACMG Guidelines, 2015. Collection method: clinical testing. Allele origin: germline. Affected: yes.
Comment: PM2

NM_173495.3(PTCHD1):c.1946T>G (p.Leu649Trp)

Gene: PTCHD1 (patched domain containing 1; plus strand). Cytogenetic location: Xp22.11.
Variant type: single nucleotide variant.
Coding change: c.1946T>G on transcript NM_173495.3 (MANE Select); coding-DNA position 1946, T replaced by G.
Protein change: p.Leu649Trp; replaces leucine 649 with tryptophan.
Molecular consequence: missense variant.
Genome position (GRCh38, 1-based): chrX:23,393,464, T>G. VCF-style: chrX-23393464-T-G. GRCh37 (hg19) VCF-style: chrX-23411581-T-G.
Other names: short protein forms L649W.
Identifiers: ClinVar variation 2572274 (VCV002572274.1), dbSNP rs2518767290, ClinGen allele CA412586795.
Genomic context (GRCh38, chrX:23,393,464, plus strand): 5'-ACATCATCTTCTCTAAAAAATACAATGATGAGGTCGATGTAGTGGCCTCCAGAATGTTTT[T>G]GGTGGCCAAGACCATGGAAACAAACAGAGAAGAACTCTATGATCTCTTGGAAACCCTGAG-3'
Protein context (NP_775766.2, residues 639-659): EVDVVASRMF[Leu649Trp]VAKTMETNRE